The following is an entry in ClinVar:

NM_001308093.3(GATA4):c.1013G>C (p.Ser338Thr)

Gene: GATA4 (GATA binding protein 4). Cytogenetic location: 8p23.1.
Variant type: single nucleotide variant.
Coding change: c.1013G>C on transcript NM_001308093.3 (MANE Select); coding-DNA position 1013, G replaced by C.
Protein change: p.Ser338Thr; replaces serine 338 with threonine.
Molecular consequence: missense variant.
Genome position (GRCh38, 1-based): chr8:11,756,947, G>C. VCF-style: chr8-11756947-G-C. GRCh37 (hg19) VCF-style: chr8-11614456-G-C.
Other names: c.392G>C, p.Ser131Thr (NM_001308094.2, NM_001374273.1); c.266G>C, p.Ser89Thr (NM_001374274.1); c.1010G>C, p.Ser337Thr (NM_002052.5); short protein forms S131T, S337T, S338T, S89T.
Identifiers: ClinVar variation 3370879 (VCV003370879.2).

ClinVar aggregate classification (germline): Uncertain significance. Review status: criteria provided, multiple submitters, no conflicts (2 of 4 stars). 2 submissions from 2 submitters: Uncertain significance (2). Last evaluated 2025-09-04.

Conditions:
Cardiovascular phenotype. Identifiers: MedGen CN230736.

Submissions (2):

Ambry Genetics
Classification: Uncertain significance for Cardiovascular phenotype. Last evaluated: 2025-09-04. Review status: criteria provided, single submitter. Criteria: Ambry Variant Classification Scheme 2023. Collection method: clinical testing. Allele origin: germline.
Comment: The p.S337T variant (also known as c.1010G>C), located in coding exon 5 of the GATA4 gene, results from a G to C substitution at nucleotide position 1010. The serine at codon 337 is replaced by threonine, an amino acid with similar properties. This amino acid position is conserved. In addition, the in silico prediction for this alteration is inconclusive. Based on the available evidence, the clinical significance of this variant remains unclear.

GeneDx
Classification: Uncertain significance. Last evaluated: 2024-03-11. Review status: criteria provided, single submitter. Criteria: GeneDx Variant Classification Process June 2021. Collection method: clinical testing. Allele origin: germline. Affected: yes.
Comment: Not observed at significant frequency in large population cohorts (gnomAD); In silico analysis supports that this missense variant does not alter protein structure/function; Has not been previously published as pathogenic or benign to our knowledge